The following is an entry in ClinVar:

NM_017866.6(TMEM70):c.427A>G (p.Ile143Val)

Gene: TMEM70 (transmembrane protein 70; plus strand). Cytogenetic location: 8q21.11.
Variant type: single nucleotide variant.
Coding change: c.427A>G on transcript NM_017866.6 (MANE Select); coding-DNA position 427, A replaced by G.
Protein change: p.Ile143Val; replaces isoleucine 143 with valine.
Molecular consequence: missense variant. On other transcripts: 3 prime UTR variant (1), non-coding transcript variant (1).
Genome position (GRCh38, 1-based): chr8:73,981,265, A>G. VCF-style: chr8-73981265-A-G. GRCh37 (hg19) VCF-style: chr8-74893500-A-G.
Other names: c.*117A>G (NM_001040613.3); short protein forms I143V.
Identifiers: ClinVar variation 1351126 (VCV001351126.8), dbSNP rs1815788537, ClinGen allele CA371489965.

ClinVar aggregate classification (germline): Uncertain significance (1 of 4 stars; one submission).

Conditions:
Mitochondrial complex V (ATP synthase) deficiency, nuclear type 2. Also called: Nuclear-Encoded ATPase Deficiency, TMEM70-Related; ENCEPHALOCARDIOMYOPATHY, MITOCHONDRIAL, NEONATAL, DUE TO ATP SYNTHASE DEFICIENCY; MITOCHONDRIAL COMPLEX V (ATP SYNTHASE) DEFICIENCY, TMEM70 TYPE. Identifiers: Orphanet 1194, MedGen C3279699, MONDO:0013546, OMIM 614052.

Allele frequency attached by ClinVar (database versions not stated): gnomAD exomes below 0.00001; TOPMed below 0.00001.

Submission:

Labcorp Genetics (formerly Invitae), Labcorp
Classification: Uncertain significance for Mitochondrial complex V (ATP synthase) deficiency, nuclear type 2. Last evaluated: 2025-02-17. Review status: criteria provided, single submitter. Criteria: Invitae Variant Classification Sherloc (09022015). Collection method: clinical testing. Allele origin: germline.
Comment: This sequence change replaces isoleucine, which is neutral and non-polar, with valine, which is neutral and non-polar, at codon 143 of the TMEM70 protein (p.Ile143Val). This variant is not present in population databases (gnomAD no frequency). This variant has not been reported in the literature in individuals affected with TMEM70-related conditions. ClinVar contains an entry for this variant (Variation ID: 1351126). Invitae Evidence Modeling of protein sequence and biophysical properties (such as structural, functional, and spatial information, amino acid conservation, physicochemical variation, residue mobility, and thermodynamic stability) indicates that this missense variant is not expected to disrupt TMEM70 protein function with a negative predictive value of 80%. In summary, the available evidence is currently insufficient to determine the role of this variant in disease. Therefore, it has been classified as a Variant of Uncertain Significance.